The following is an entry in ClinVar:

ClinVar aggregate classification (germline): Uncertain significance (1 of 4 stars; one submission).

Allele frequency attached by ClinVar (database versions not stated): ExAC 0.00001.
gnomAD v4.1: 8 of 1,599,782 alleles (0.0005%); highest among the groups gnomAD compares: Non-Finnish European, 0.00068%; no homozygotes.

Submission:

GeneDx
Classification: Uncertain significance. Last evaluated: 2021-08-04. Review status: criteria provided, single submitter. Criteria: GeneDx Variant Classification Process June 2021. Collection method: clinical testing. Allele origin: germline. Affected: yes.
Comment: Not observed at significant frequency in large population cohorts (Lek et al., 2016); In silico analysis supports that this missense variant has a deleterious effect on protein structure/function; Has not been previously published as pathogenic or benign to our knowledge

NM_001127222.2(CACNA1A):c.2292G>C (p.Gln764His)

Gene: CACNA1A (calcium voltage-gated channel subunit alpha1 A; minus strand). Cytogenetic location: 19p13.13.
Variant type: single nucleotide variant.
Coding change: c.2292G>C on transcript NM_001127222.2 (MANE Select); coding-DNA position 2292, G replaced by C.
Protein change: p.Gln764His; replaces glutamine 764 with histidine.
Molecular consequence: missense variant.
Genome position (GRCh38, 1-based): chr19:13,299,341, C>G on the plus strand (G>C on the coding strand, the complement: CACNA1A is on the minus strand). VCF-style: chr19-13299341-C-G. GRCh37 (hg19) VCF-style: chr19-13410155-C-G.
Other names: c.2304G>C, p.Gln768His (NM_000068.4, NM_023035.3); c.2295G>C, p.Gln765His (NM_001127221.2, NM_001174080.2); short protein forms Q765H, Q764H, Q768H.
Identifiers: ClinVar variation 392614 (VCV000392614.4), dbSNP rs747111223, ClinGen allele CA9240574.